The following is an entry in ClinVar:

ClinVar aggregate classification (germline): Uncertain significance. Review status: criteria provided, multiple submitters, no conflicts (2 of 4 stars). 2 submissions from 2 submitters: Uncertain significance (2). Last evaluated 2025-01-17.

Allele frequency attached by ClinVar (database versions not stated): ExAC 0.00001; gnomAD exomes 0.00001; gnomAD 0.00003; TOPMed 0.00004; ESP Exome Variant Server 0.00008.
gnomAD v4.1: 16 of 1,613,310 alleles (0.00099%); highest among the groups gnomAD compares: East Asian, 0.0022%; no homozygotes.

Submissions (2):

Ambry Genetics
Classification: Uncertain significance. Last evaluated: 2025-01-17. Review status: criteria provided, single submitter. Criteria: Ambry Variant Classification Scheme 2023. Collection method: clinical testing. Allele origin: germline.

Labcorp Genetics (formerly Invitae), Labcorp
Classification: Uncertain significance. Last evaluated: 2022-08-07. Review status: criteria provided, single submitter. Criteria: Invitae Variant Classification Sherloc (09022015). Collection method: clinical testing. Allele origin: germline.
Comment: This sequence change replaces arginine, which is basic and polar, with cysteine, which is neutral and slightly polar, at codon 1493 of the SBF1 protein (p.Arg1493Cys). This variant is present in population databases (rs373554487, gnomAD 0.007%). This variant has not been reported in the literature in individuals affected with SBF1-related conditions. Advanced modeling of protein sequence and biophysical properties (such as structural, functional, and spatial information, amino acid conservation, physicochemical variation, residue mobility, and thermodynamic stability) performed at Invitae indicates that this missense variant is expected to disrupt SBF1 protein function. In summary, the available evidence is currently insufficient to determine the role of this variant in disease. Therefore, it has been classified as a Variant of Uncertain Significance.

NM_002972.4(SBF1):c.4477C>T (p.Arg1493Cys)

Gene: SBF1 (SET binding factor 1; minus strand). Cytogenetic location: 22q13.33.
Variant type: single nucleotide variant.
Coding change: c.4477C>T on transcript NM_002972.4 (MANE Select); coding-DNA position 4477, C replaced by T.
Protein change: p.Arg1493Cys; replaces arginine 1493 with cysteine.
Molecular consequence: missense variant.
Genome position (GRCh38, 1-based): chr22:50,455,301, G>A on the plus strand (C>T on the coding strand, the complement: SBF1 is on the minus strand). VCF-style: chr22-50455301-G-A. GRCh37 (hg19) VCF-style: chr22-50893730-G-A.
Other names: c.4402C>T, p.Arg1468Cys (NM_001365819.1); c.4480C>T, p.Arg1494Cys (NM_001410794.1); c.4399C>T, p.Arg1467Cys (NM_001410795.1); c.4477C>T, p.Arg1493Cys (NM_197971.1); c.4477C>T (NM_002972.2); short protein forms R1467C, R1468C, R1493C, R1494C.
Identifiers: ClinVar variation 2415949 (VCV002415949.4), dbSNP rs373554487, ClinGen allele CA10316254.